The following is an entry in ClinVar:

NM_015100.4(POGZ):c.3046del (p.Glu1016fs)

Gene: POGZ (pogo transposable element derived with ZNF domain; minus strand). Cytogenetic location: 1q21.3.
Variant type: Deletion.
Coding change: c.3046del on transcript NM_015100.4 (MANE Select); coding-DNA position 3046, one base deleted (G; older notation c.3046delG).
Protein change: p.Glu1016fs; shifts the reading frame from glutamic acid 1016.
Molecular consequence: frameshift variant.
Genome position (GRCh38, 1-based): chr1:151,405,989, C deleted on the plus strand (G on the coding strand, the reverse complement: POGZ is on the minus strand); the first of 5 consecutive C bases (chr1:151,405,989-151,405,993); deleting any one gives the same sequence. VCF-style (leftmost placement, unchanged base first): chr1-151405988-TC-T. GRCh37 (hg19) VCF-style: chr1-151378464-TC-T.
Other names: c.3019del, p.Glu1007fs (NM_001194937.2); c.2860del, p.Glu954fs (NM_001194938.2); c.3063delG, p.Glu1023Argfs (NM_001410860.1); c.2761del, p.Glu921fs (NM_145796.4); c.2887del, p.Glu963fs (NM_207171.2); short protein forms E1007fs, E1016fs, E921fs, E954fs, E963fs.
Identifiers: ClinVar variation 2444259 (VCV002444259.1), dbSNP rs2529206328, ClinGen allele CA420909662.

ClinVar aggregate classification (germline): Likely pathogenic (1 of 4 stars; one submission).

Conditions:
Intellectual disability-microcephaly-strabismus-behavioral abnormalities syndrome. Also called: White-Sutton Syndrome. Identifiers: Orphanet 468678, MedGen C4225351, MONDO:0014606, OMIM 616364.

Submission:

3billion
Classification: Likely pathogenic for Intellectual disability-microcephaly-strabismus-behavioral abnormalities syndrome. Last evaluated: 2023-02-23. Review status: criteria provided, single submitter. Criteria: ACMG Guidelines, 2015. Collection method: clinical testing. Allele origin: unknown. Affected: yes.
Comment: The variant is not observed in the gnomAD v2.1.1 dataset. This variant was predicted to result in a loss or disruption of normal protein function through protein truncation. Multiple pathogenic variants are reported in the predicted truncated region. Therefore, this variant is classified as Likely pathogenic according to the recommendation of ACMG/AMP guideline.